The following is an entry in ClinVar:

ClinVar aggregate classification (germline): Benign (1 of 4 stars; one submission).

Allele frequency attached by ClinVar (database versions not stated): 1000 Genomes Project 0.42572; 1000 Genomes Project 30x 0.43004; TOPMed 0.54539; gnomAD 0.57010 and 0.57466.
gnomAD v4.1: 86,782 of 152,068 alleles (57%); highest among the groups gnomAD compares: Non-Finnish European, 72%; 27,004 homozygotes.

Submission:

GeneDx
Classification: Benign. Last evaluated: 2018-06-16. Review status: criteria provided, single submitter. Criteria: GeneDx Variant Classification (06012015). Collection method: clinical testing. Allele origin: germline. Affected: yes.
Comment: This variant is considered likely benign or benign based on one or more of the following criteria: it is a conservative change, it occurs at a poorly conserved position in the protein, it is predicted to be benign by multiple in silico algorithms, and/or has population frequency not consistent with disease.

NM_000182.5(HADHA):c.1221-195C>T

Genes: GAREM2 (GRB2 associated regulator of MAPK1 subtype 2; plus strand), HADHA (hydroxyacyl-CoA dehydrogenase trifunctional multienzyme complex subunit alpha; minus strand). Cytogenetic location: 2p23.3.
Variant type: single nucleotide variant.
Coding change: c.1221-195C>T on transcript NM_000182.5 (MANE Select); 195 bases into the intron before coding-DNA position 1221, C replaced by T.
Molecular consequence: intron variant.
Genome position (GRCh38, 1-based): chr2:26,201,515, G>A on the plus strand (C>T on the coding strand, the complement: HADHA is on the minus strand). VCF-style: chr2-26201515-G-A. GRCh37 (hg19) VCF-style: chr2-26424384-G-A.
Identifiers: ClinVar variation 673764 (VCV000673764.1), dbSNP rs13004974, ClinGen allele CA11294747.